The following is an entry in ClinVar:

NC_000002.11:g.(?_179296824)_(179623919_?)dup

Genes: TTN (titin; minus strand), PLEKHA3 (pleckstrin homology domain containing A3; plus strand), PJVK (pejvakin; plus strand), FKBP7 (FKBP prolyl isomerase 7; minus strand), PRKRA (protein activator of interferon induced protein kinase EIF2AK2; minus strand). Cytogenetic location: 2q31.2.
Variant type: Duplication.
Identifiers: ClinVar variation 3247292 (VCV003247292.1).

ClinVar aggregate classification (germline): Uncertain significance (1 of 4 stars; one submission).

Conditions:
Autosomal recessive limb-girdle muscular dystrophy type 2J (LGMDR10). Also called: Limb-girdle muscular dystrophy, type 2J; MUSCULAR DYSTROPHY, LIMB-GIRDLE, AUTOSOMAL RECESSIVE 10. Identifiers: Orphanet 140922, MedGen C1837342, MONDO:0012127, OMIM 608807.
Dilated cardiomyopathy 1G (CMD1G). Identifiers: Orphanet 154, MedGen C1858763, MONDO:0011400, OMIM 604145.

Submission:

Labcorp Genetics (formerly Invitae), Labcorp
Classification: Uncertain significance for Dilated cardiomyopathy 1G; Autosomal recessive limb-girdle muscular dystrophy type 2J. Last evaluated: 2023-02-02. Review status: criteria provided, single submitter. Criteria: Invitae Variant Classification Sherloc (09022015). Collection method: clinical testing. Allele origin: unknown.
Comment: In summary, the available evidence is currently insufficient to determine the role of this variant in disease. Therefore, it has been classified as a Variant of Uncertain Significance. This variant is located in the I, A, and M band(s) of TTN (PMID: 25589632). Copy number variants in TTN have been previously reported in individuals affected with neuromuscular disorders (PMID: 29792937, 30238059), but the functional significance of this variant is currently unknown. This variant has not been reported in the literature in individuals affected with TTN-related conditions. This variant results in a copy number gain of the genomic region encompassing exon(s) 44-363 of the TTN gene. This region includes the termination codon of the gene. This copy number gain extends beyond the assayed region for this gene and therefore may encompass additional genes. As the precise location of this event is unknown, it may be in tandem or it may be located elsewhere in the genome.

Literature cited by the submitters: PubMed 25589632; PubMed 29792937; PubMed 30238059.